The following is an entry in ClinVar:

NM_001105206.3(LAMA4):c.156A>T (p.Glu52Asp)

Genes: LAMA4-AS1 (LAMA4 antisense RNA 1; plus strand), LAMA4 (laminin subunit alpha 4; minus strand). Cytogenetic location: 6q21.
Variant type: single nucleotide variant.
Coding change: c.156A>T on transcript NM_001105206.3 (MANE Select); coding-DNA position 156, A replaced by T.
Protein change: p.Glu52Asp; replaces glutamic acid 52 with aspartic acid.
Molecular consequence: missense variant.
Genome position (GRCh38, 1-based): chr6:112,253,995, T>A on the plus strand (A>T on the coding strand, the complement: LAMA4 is on the minus strand). VCF-style: chr6-112253995-T-A. GRCh37 (hg19) VCF-style: chr6-112575197-T-A.
Other names: c.156A>T, p.Glu52Asp (NM_001105207.3, NM_001105208.3, NM_001105209.3 and 1 more transcripts); short protein forms E52D.
Identifiers: ClinVar variation 4825730 (VCV004825730.1).

ClinVar aggregate classification (germline): Uncertain significance (1 of 4 stars; one submission).

Conditions:
Cardiovascular phenotype. Identifiers: MedGen CN230736.

gnomAD v4.1: 3 of 1,585,350 alleles (0.00019%); highest among the groups gnomAD compares: Non-Finnish European, 0.00026%; no homozygotes.

Submission:

Ambry Genetics
Classification: Uncertain significance for Cardiovascular phenotype. Last evaluated: 2026-03-09. Review status: criteria provided, single submitter. Criteria: Ambry Variant Classification Scheme 2023. Collection method: clinical testing. Allele origin: germline.
Comment: The p.E52D variant (also known as c.156A>T), located in coding exon 1 of the LAMA4 gene, results from an A to T substitution at nucleotide position 156. The glutamic acid at codon 52 is replaced by aspartic acid, an amino acid with highly similar properties. This amino acid position is conserved. In addition, this alteration is predicted to be tolerated by in silico analysis. Based on the available evidence, the clinical significance of this variant remains unclear.